The following is an entry in ClinVar:

NM_024548.4(CEP97):c.345+1G>C

Gene: CEP97 (centrosomal protein 97; plus strand). Cytogenetic location: 3q12.3.
Variant type: single nucleotide variant.
Coding change: c.345+1G>C on transcript NM_024548.4 (MANE Select); the canonical splice donor site of the intron after coding-DNA position 345, G replaced by C.
Molecular consequence: splice donor variant.
Genome position (GRCh38, 1-based): chr3:101,727,542, G>C. VCF-style: chr3-101727542-G-C. GRCh37 (hg19) VCF-style: chr3-101446386-G-C.
Other names: c.345+1G>C (NM_001303401.2, NM_001410784.1, NM_001410785.1).
Identifiers: ClinVar variation 4703790 (VCV004703790.1).

ClinVar aggregate classification (germline): Uncertain significance (1 of 4 stars; one submission).

gnomAD v4.1: 12 of 1,595,452 alleles (0.00075%); highest among the groups gnomAD compares: Non-Finnish European, 0.00094%; no homozygotes.

Submission:

Labcorp Genetics (formerly Invitae), Labcorp
Classification: Uncertain significance. Last evaluated: 2025-07-30. Review status: criteria provided, single submitter. Criteria: Invitae Variant Classification Sherloc (09022015). Collection method: clinical testing. Allele origin: germline.
Comment: This sequence change affects a donor splice site in intron 3 of the CEP97 gene. It is expected to disrupt RNA splicing. Variants that disrupt the donor or acceptor splice site typically lead to a loss of protein function (PMID: 16199547), however the current clinical and genetic evidence is not sufficient to establish whether loss-of-function variants in CEP97 cause disease. This variant is present in population databases (no rsID available, gnomAD 0.002%). This variant has not been reported in the literature in individuals affected with CEP97-related conditions. Algorithms developed to predict the effect of sequence changes on RNA splicing suggest that this variant may disrupt the consensus splice site. In summary, the available evidence is currently insufficient to determine the role of this variant in disease. Therefore, it has been classified as a Variant of Uncertain Significance.

Literature cited by the submitters: PubMed 16199547.